The following is an entry in ClinVar:

ClinVar aggregate classification (germline): Conflicting classifications of pathogenicity. Review status: criteria provided, conflicting classifications (1 of 4 stars). 2 submissions from 2 submitters: Uncertain significance (1); Likely benign (1). Last evaluated 2024-03-27.

Conditions:
Hereditary cancer-predisposing syndrome. Also called: Neoplastic Syndromes, Hereditary; Hereditary Cancer Syndrome; Tumor predisposition; Hereditary neoplastic syndrome. Identifiers: Orphanet 140162, MedGen C0027672, MeSH D009386, MONDO:0015356.
Ataxia-telangiectasia-like disorder (ATLD). Identifiers: MedGen C1858391, MONDO:0011457.

Allele frequency attached by ClinVar (database versions not stated): TOPMed 0.00004; ExAC 0.00001; gnomAD exomes 0.00001; gnomAD 0.00004.
gnomAD v4.1: 9 of 1,613,562 alleles (0.00056%); highest among the groups gnomAD compares: African/African-American, 0.012%; no homozygotes.

Submissions (2):

Ambry Genetics
Classification: Likely benign for Hereditary cancer-predisposing syndrome. Last evaluated: 2024-03-27. Review status: criteria provided, single submitter. Criteria: Ambry Variant Classification Scheme 2023. Collection method: clinical testing. Allele origin: germline.

Labcorp Genetics (formerly Invitae), Labcorp
Classification: Uncertain significance for Ataxia-telangiectasia-like disorder. Last evaluated: 2021-12-25. Review status: criteria provided, single submitter. Criteria: Invitae Variant Classification Sherloc (09022015). Collection method: clinical testing. Allele origin: germline.
Comment: This sequence change replaces asparagine, which is neutral and polar, with aspartic acid, which is acidic and polar, at codon 346 of the MRE11 protein (p.Asn346Asp). This variant is present in population databases (rs756040379, gnomAD 0.02%). This variant has not been reported in the literature in individuals affected with MRE11-related conditions. ClinVar contains an entry for this variant (Variation ID: 581887). Algorithms developed to predict the effect of missense changes on protein structure and function (SIFT, PolyPhen-2, Align-GVGD) all suggest that this variant is likely to be tolerated. In summary, the available evidence is currently insufficient to determine the role of this variant in disease. Therefore, it has been classified as a Variant of Uncertain Significance.

NM_005591.4(MRE11):c.1036A>G (p.Asn346Asp)

Gene: MRE11 (MRE11 double strand break repair nuclease; minus strand). Cytogenetic location: 11q21.
Variant type: single nucleotide variant.
Coding change: c.1036A>G on transcript NM_005591.4 (MANE Select); coding-DNA position 1036, A replaced by G.
Protein change: p.Asn346Asp; replaces asparagine 346 with aspartic acid.
Molecular consequence: missense variant.
Genome position (GRCh38, 1-based): chr11:94,467,875, T>C on the plus strand (A>G on the coding strand, the complement: MRE11 is on the minus strand). VCF-style: chr11-94467875-T-C. GRCh37 (hg19) VCF-style: chr11-94201041-T-C.
Other names: c.1036A>G, p.Asn346Asp (NM_001330347.2, NM_005590.4); short protein forms N346D.
Identifiers: ClinVar variation 581887 (VCV000581887.10), dbSNP rs756040379, ClinGen allele CA6235225.